The following is an entry in ClinVar:

ClinVar aggregate classification (germline): Likely benign. Review status: criteria provided, multiple submitters, no conflicts (2 of 4 stars). 2 submissions from 2 submitters: Likely benign (2). Last evaluated 2024-07-29.

Conditions:
RASopathy. Also called: Noonan spectrum disorder; rasopathies. Identifiers: Orphanet 536391, MedGen C5555857, MONDO:0021060.

gnomAD v4.1: 3 of 1,583,706 alleles (0.00019%); highest among the groups gnomAD compares: Non-Finnish European, 0.00026%; no homozygotes.

Submissions (2):

Labcorp Genetics (formerly Invitae), Labcorp
Classification: Likely benign for RASopathy. Last evaluated: 2024-07-29. Review status: criteria provided, single submitter. Criteria: Invitae Variant Classification Sherloc (09022015). Collection method: clinical testing. Allele origin: germline.

GeneDx
Classification: Likely benign. Last evaluated: 2016-11-30. Review status: criteria provided, single submitter. Criteria: GeneDx Variant Classification (06012015). Collection method: clinical testing. Allele origin: germline. Affected: yes.
Comment: This variant is considered likely benign or benign based on one or more of the following criteria: it is a conservative change, it occurs at a poorly conserved position in the protein, it is predicted to be benign by multiple in silico algorithms, and/or has population frequency not consistent with disease.

NM_002880.4(RAF1):c.423+12A>T

Gene: RAF1 (Raf-1 proto-oncogene, serine/threonine kinase; minus strand). Cytogenetic location: 3p25.2.
Variant type: single nucleotide variant.
Coding change: c.423+12A>T on transcript NM_002880.4 (MANE Select); 12 bases into the intron after coding-DNA position 423, A replaced by T.
Molecular consequence: intron variant.
Genome position (GRCh38, 1-based): chr3:12,609,221, T>A on the plus strand (A>T on the coding strand, the complement: RAF1 is on the minus strand). VCF-style: chr3-12609221-T-A. GRCh37 (hg19) VCF-style: chr3-12650720-T-A.
Other names: c.180+12A>T (NM_001354695.3, NM_001354692.3, NM_001354694.3 and 1 more transcripts); c.423+12A>T (NM_001354693.3, NM_001354689.3, NM_001354690.3).
Identifiers: ClinVar variation 391112 (VCV000391112.4), dbSNP rs1055790600, ClinGen allele CA16604461.